The following is an entry in ClinVar:

NM_001278064.2(GRM1):c.2609A>G (p.Asn870Ser)

Gene: GRM1 (glutamate metabotropic receptor 1; plus strand). Cytogenetic location: 6q24.3.
Variant type: single nucleotide variant.
Coding change: c.2609A>G on transcript NM_001278064.2 (MANE Select); coding-DNA position 2609, A replaced by G.
Protein change: p.Asn870Ser; replaces asparagine 870 with serine.
Molecular consequence: missense variant.
Genome position (GRCh38, 1-based): chr6:146,399,648, A>G. VCF-style: chr6-146399648-A-G. GRCh37 (hg19) VCF-style: chr6-146720784-A-G.
Other names: NM_000838.3:c.2609A>G; c.2609A>G, p.Asn870Ser (NM_001278065.2, NM_001278066.1, NM_001278067.1); short protein forms N870S.
Identifiers: ClinVar variation 2187372 (VCV002187372.5), dbSNP rs371375072, ClinGen allele CA4037470.

ClinVar aggregate classification (germline): Uncertain significance. Review status: criteria provided, multiple submitters, no conflicts (2 of 4 stars). 2 submissions from 2 submitters: Uncertain significance (2). Last evaluated 2022-08-23.

Conditions:
Inborn genetic diseases. Identifiers: MedGen C0950123, MeSH D030342.

Allele frequency attached by ClinVar (database versions not stated): gnomAD exomes below 0.00001; ExAC 0.00002; ESP Exome Variant Server 0.00008; TOPMed 0.00008; gnomAD 0.00009; 1000 Genomes Project 0.00020; 1000 Genomes Project 30x 0.00031.
gnomAD v4.1: 23 of 1,614,046 alleles (0.0014%); highest among the groups gnomAD compares: African/African-American, 0.027%; no homozygotes.

Submissions (2):

Labcorp Genetics (formerly Invitae), Labcorp
Classification: Uncertain significance. Last evaluated: 2022-08-23. Review status: criteria provided, single submitter. Criteria: Invitae Variant Classification Sherloc (09022015). Collection method: clinical testing. Allele origin: germline.
Comment: In summary, the available evidence is currently insufficient to determine the role of this variant in disease. Therefore, it has been classified as a Variant of Uncertain Significance. Algorithms developed to predict the effect of missense changes on protein structure and function are either unavailable or do not agree on the potential impact of this missense change (SIFT: "Deleterious"; PolyPhen-2: "Benign"; Align-GVGD: "Class C45"). This variant has not been reported in the literature in individuals affected with GRM1-related conditions. This variant is present in population databases (rs371375072, gnomAD 0.02%). This sequence change replaces asparagine, which is neutral and polar, with serine, which is neutral and polar, at codon 870 of the GRM1 protein (p.Asn870Ser).

Ambry Genetics
Classification: Uncertain significance for Inborn genetic diseases. Last evaluated: 2020-10-30. Review status: criteria provided, single submitter. Criteria: Ambry Variant Classification Scheme 2023. Collection method: clinical testing. Allele origin: germline.
Comment: The c.2609A>G (p.N870S) alteration is located in exon 8 (coding exon 7) of the GRM1 gene. This alteration results from an A to G substitution at nucleotide position 2609, causing the asparagine (N) at amino acid position 870 to be replaced by a serine (S). Based on data from the Genome Aggregation Database (gnomAD) database, the GRM1 c.2609A>G alteration was observed in 0.002% (6/280,772) of total alleles studied, with a frequency of 0.02% (6/24,486) in the African subpopulation. This amino acid position is highly conserved in available vertebrate species. The p.N870S alteration is predicted to be tolerated by in silico analysis. Based on insufficient or conflicting evidence, the clinical significance of this alteration remains unclear.